The following is an entry in ClinVar:

ClinVar aggregate classification (germline): Uncertain significance (1 of 4 stars; one submission).

Allele frequency attached by ClinVar (database versions not stated): gnomAD exomes below 0.00001.
gnomAD v4.1: 1 of 1,598,458 alleles (0.000063%); highest among the groups gnomAD compares: African/African-American, 0.0013%; no homozygotes.

Submission:

Labcorp Genetics (formerly Invitae), Labcorp
Classification: Uncertain significance. Last evaluated: 2022-08-19. Review status: criteria provided, single submitter. Criteria: Invitae Variant Classification Sherloc (09022015). Collection method: clinical testing. Allele origin: germline.
Comment: In summary, the available evidence is currently insufficient to determine the role of this variant in disease. Therefore, it has been classified as a Variant of Uncertain Significance. Algorithms developed to predict the effect of missense changes on protein structure and function output the following: SIFT: "Tolerated"; PolyPhen-2: "Benign"; Align-GVGD: "Class C0". The valine amino acid residue is found in multiple mammalian species, which suggests that this missense change does not adversely affect protein function. This variant has not been reported in the literature in individuals affected with PACS2-related conditions. This variant is not present in population databases (gnomAD no frequency). This sequence change replaces isoleucine, which is neutral and non-polar, with valine, which is neutral and non-polar, at codon 641 of the PACS2 protein (p.Ile641Val).

NM_001100913.3(PACS2):c.1921A>G (p.Ile641Val)

Gene: PACS2 (phosphofurin acidic cluster sorting protein 2; plus strand). Cytogenetic location: 14q32.33.
Variant type: single nucleotide variant.
Coding change: c.1921A>G on transcript NM_001100913.3 (MANE Select); coding-DNA position 1921, A replaced by G.
Protein change: p.Ile641Val; replaces isoleucine 641 with valine.
Molecular consequence: missense variant.
Genome position (GRCh38, 1-based): chr14:105,384,908, A>G. VCF-style: chr14-105384908-A-G. GRCh37 (hg19) VCF-style: chr14-105851245-A-G.
Other names: c.1684A>G, p.Ile562Val (NM_001243127.3); c.1909A>G, p.Ile637Val (NM_015197.4); short protein forms I562V, I637V, I641V.
Identifiers: ClinVar variation 1716691 (VCV001716691.5), dbSNP rs2544833822, ClinGen allele CA391184275.